The following is an entry in ClinVar:

ClinVar aggregate classification (germline): Uncertain significance (1 of 4 stars; one submission).

Conditions:
SEMA3A-related disorder. Also called: SEMA3A-related condition.

gnomAD v4.1: 7 of 1,614,000 alleles (0.00043%); highest among the groups gnomAD compares: Non-Finnish European, 0.00059%; no homozygotes.

Submission:

PreventionGenetics, part of Exact Sciences
Classification: Uncertain significance for SEMA3A-related condition. Last evaluated: 2026-01-28. Review status: criteria provided, single submitter. Criteria: ACMG Guidelines, 2015. Collection method: clinical testing. Allele origin: germline.
Comment: The SEMA3A c.1202C>T variant is predicted to result in the amino acid substitution p.Thr401Ile. To our knowledge, this variant has not been reported in the literature. This variant is reported in 0.0053% of alleles in individuals of European (Non-Finnish) descent in gnomAD. At this time, the clinical significance of this variant is uncertain due to the absence of conclusive functional and genetic evidence.

NM_006080.3(SEMA3A):c.1202C>T (p.Thr401Ile)

Gene: SEMA3A (semaphorin 3A; minus strand). Cytogenetic location: 7q21.11.
Variant type: single nucleotide variant.
Coding change: c.1202C>T on transcript NM_006080.3 (MANE Select); coding-DNA position 1202, C replaced by T.
Protein change: p.Thr401Ile; replaces threonine 401 with isoleucine.
Molecular consequence: missense variant.
Genome position (GRCh38, 1-based): chr7:84,005,497, G>A on the plus strand (C>T on the coding strand, the complement: SEMA3A is on the minus strand). VCF-style: chr7-84005497-G-A. GRCh37 (hg19) VCF-style: chr7-83634813-G-A.
Other names: short protein forms T401I.
Identifiers: ClinVar variation 4989364 (VCV004989364.1).